The following is an entry in ClinVar:

ClinVar aggregate classification (germline): Pathogenic. Review status: reviewed by expert panel (3 of 4 stars). 4 submissions from 4 submitters: Pathogenic (1). 3 of the submissions do not count toward it. Last evaluated 2026-09-26.

Conditions:
Juvenile retinoschisis (RS1). Also called: X-Linked Juvenile Retinoschisis; X-linked retinoschisis. Identifiers: Orphanet 792, MedGen C3714753, MONDO:0010725, OMIM 312700.
Macular schisis. Identifiers: MedGen C4023321, HP:0011511.
Peripheral schisis. Identifiers: MedGen C4068740.

Submissions (4):

ClinGen X-linked Inherited Retinal Disease Variant Curation Expert Panel, ClinGen
Classification: Pathogenic for Juvenile retinoschisis. Last evaluated: 2026-09-26. Review status: reviewed by expert panel. Criteria: ClinGen X LinkedIRD ACMG Specifications RS1 V1.0.0. Collection method: curation. Allele origin: germline. Inheritance: X-linked inheritance.
Comment: The NM_000330.4(RS1):c.349C>T variant is a nonsense variant in amino acid 117, which results in a premature stop codon and the initiation of the nonsense-mediated decay pathway. This variant is absent from hemizygous individuals in gnomAD v4.1.0 (PM2_Supporting). This nonsense variant introduces a premature stop codon between amino acids 1-223 that is predicted to either trigger nonsense-mediated decay or disrupt a critical C-terminal region required for the proper function of RS1 (PVS1, PMID: 19849666). At least one proband harboring this variant exhibits a phenotype including appearance of schisis and reduced visual acuity before age 13 years, and showing retinal detachment, which together are highly specific for X-linked retinoschisis (PMID: 39304024, PP4_Moderate). The variant has been reported to segregate through three brothers, at least 2 meioses in one family, the pedigree shows another 3 affected maternal uncles not tested genetically (PP1_moderate; PMID: 39304024). This variant has been reported in at least 1 proband meeting one of the PS4 requirements of a male diagnosed with XLRS, as well as a second apparently unrelated proband previously used for the PP4 code (PMIDs: 38219857, 29851975, PS4_Supporting). In summary, this variant is classified as pathogenic for X-linked retinoschisis based on ClinGen X-linked Inherited Retinal Disease Expert Panel Specifications to the ACMG/AMP Variant Interpretation Guidelines for RS1 Version 1.0.0: PM2_supporting, PVS1, PP4, PP1_moderate, and PS4_supporting.

Variantyx, Inc.
Classification: Pathogenic for Juvenile retinoschisis. Last evaluated: 2025-07-01. Review status: criteria provided, single submitter. Criteria: Variantyx Assertion Criteria 2022. Collection method: clinical testing. Allele origin: maternal. Inheritance: X-linked recessive inheritance. Affected: yes. Not counted in ClinVar's aggregate classification.
Comment: This is a nonsense variant in the RS1 gene (OMIM: 300839). Pathogenic variants in this gene have been associated with X-linked retinoschisis. This variant introduces a premature termination codon in exon 5 out of 6 and is expected to result in loss of function, which is a known disease mechanism for RS1 in this disorder (PMID: 29851975, 9618178, 17172462, 30192042) (PVS1). This variant has been reported in at least 2 unrelated affected individuals (PMID: 29851975, 38219857) (PS4_Moderate) and is absent from control populations (PM2). Based on the current evidence, this variant is classified as pathogenic for X-linked retinoschisis.

3billion
Classification: Pathogenic for Juvenile retinoschisis. Last evaluated: 2022-01-03. Review status: criteria provided, single submitter. Criteria: ACMG Guidelines, 2015. Collection method: clinical testing. Allele origin: germline. Affected: yes. Observed: 1 hemizygote. Not counted in ClinVar's aggregate classification.
Comment: Stop-gained (nonsense): predicted to result in a loss or disruption of normal protein function through nonsense-mediated decay (NMD) or protein truncation. Multiple pathogenic variants are reported downstream of the variant (PVS1_VS). Functional studies provide strong evidence of the variant having a damaging effect on the gene or gene product (PMID:29851975, PS3_S). The variant has been reported to be associated with RS1 related disorder (PMID:29851975).It is not observed in the gnomAD v2.1.1 dataset (PM2_M). Therefore, this variant is classified as pathogenic according to the recommendation of ACMG/AMP guideline.

SN ONGC Dept of Genetics and Molecular biology Vision Research Foundation
Classification: Uncertain significance. Review status: no assertion criteria provided. Collection method: not provided. Allele origin: germline. Not counted in ClinVar's aggregate classification.
Comment: macular schisis & periheral schisis
ClinVar note: Converted during submission from unknown to Uncertain significance.

Literature cited by the submitters: PubMed 29851975 (cited by Variantyx, Inc. and 3billion); PubMed 38219857 (cited by Variantyx, Inc.).

NM_000330.4(RS1):c.349C>T (p.Gln117Ter)

Genes: CDKL5 (cyclin dependent kinase like 5; plus strand), RS1 (retinoschisin 1; minus strand). Cytogenetic location: Xp22.13.
Variant type: single nucleotide variant.
Coding change: c.349C>T on transcript NM_000330.4 (MANE Select); coding-DNA position 349, C replaced by T.
Protein change: p.Gln117Ter; replaces glutamine 117 with a stop codon.
Molecular consequence: nonsense. On other transcripts: intron variant (2).
Genome position (GRCh38, 1-based): chrX:18,644,603, G>A on the plus strand (C>T on the coding strand, the complement: RS1 is on the minus strand). VCF-style: chrX-18644603-G-A. GRCh37 (hg19) VCF-style: chrX-18662723-G-A.
Other names: NM_000330.4(RS1):c.349C>T; p.Gln117Ter; c.2714-1404G>A (NM_003159.3, NM_001037343.2); short protein forms Q117*.
Identifiers: ClinVar variation 68072 (VCV000068072.6), dbSNP rs199469696, ClinGen allele CA265996.